The following is an entry in ClinVar:

NC_000023.10:g.(?_99551275)_(99605722_?)del

Gene: PCDH19 (protocadherin 19; minus strand). Cytogenetic location: Xq22.1.
Variant type: Deletion.
Identifiers: ClinVar variation 1460077 (VCV001460077.8).

ClinVar aggregate classification (germline): Pathogenic (1 of 4 stars; one submission).

Conditions:
Developmental and epileptic encephalopathy, 9 (DEE9). Also called: EPILEPSY, FEMALE-RESTRICTED, WITH MENTAL RETARDATION; JUBERG-HELLMAN SYNDROME; PCDH19-Related X-Linked Female-Limited Epilepsy with Mental Retardation; Early infantile epileptic encephalopathy 9. Identifiers: Orphanet 101039, Orphanet 2076, MedGen C1848137, MONDO:0010246, OMIM 300088. Disease mechanism: loss of function.

Submission:

Labcorp Genetics (formerly Invitae), Labcorp
Classification: Pathogenic for Developmental and epileptic encephalopathy, 9. Last evaluated: 2024-01-22. Review status: criteria provided, single submitter. Criteria: Invitae Variant Classification Sherloc (09022015). Collection method: clinical testing. Allele origin: germline.
Comment: This variant is a gross deletion of the genomic region encompassing exon(s) 4-6 of the PCDH19 gene, which includes the termination codon. This deletion extends beyond the assayed region for this gene and therefore may encompass additional genes. While this deletion is not anticipated to lead to nonsense mediated decay, it is expected to alter mRNA translation or result in a truncated protein product. This variant has not been reported in the literature in individuals affected with PCDH19-related conditions. The region of the PCDH19 gene that includes exon(s) 6 has been determined to be clinically significant (PMID: 30828795; Invitae). Therefore, deletions that encompass that region are likely to be disease-causing. For these reasons, this variant has been classified as Pathogenic.

Literature cited by the submitters: PubMed 30828795.